The following is an entry in ClinVar:

NM_152703.5(SAMD9L):c.808A>G (p.Lys270Glu)

Gene: SAMD9L (sterile alpha motif domain containing 9 like; minus strand). Cytogenetic location: 7q21.2.
Variant type: single nucleotide variant.
Coding change: c.808A>G on transcript NM_152703.5 (MANE Select); coding-DNA position 808, A replaced by G.
Protein change: p.Lys270Glu; replaces lysine 270 with glutamic acid.
Molecular consequence: missense variant.
Genome position (GRCh38, 1-based): chr7:93,135,164, T>C on the plus strand (A>G on the coding strand, the complement: SAMD9L is on the minus strand). VCF-style: chr7-93135164-T-C. GRCh37 (hg19) VCF-style: chr7-92764477-T-C.
Other names: c.808A>G, p.Lys270Glu (NM_001303496.3, NM_001303497.3, NM_001303498.3 and 5 more transcripts); short protein forms K270E.
Identifiers: ClinVar variation 3437148 (VCV003437148.1).

ClinVar aggregate classification (germline): Uncertain significance (1 of 4 stars; one submission).

Conditions:
Inborn genetic diseases. Identifiers: MedGen C0950123, MeSH D030342.

gnomAD v4.1: 1 of 1,613,544 alleles (0.000062%); highest among the groups gnomAD compares: Non-Finnish European, 0.000085%; no homozygotes.

Submission:

Ambry Genetics
Classification: Uncertain significance for Inborn genetic diseases. Last evaluated: 2024-11-20. Review status: criteria provided, single submitter. Criteria: Ambry Variant Classification Scheme 2023. Collection method: clinical testing. Allele origin: germline.
Comment: The p.K270E variant (also known as c.808A>G), located in coding exon 1 of the SAMD9L gene, results from an A to G substitution at nucleotide position 808. The lysine at codon 270 is replaced by glutamic acid, an amino acid with similar properties. This amino acid position is conserved. In addition, this alteration is predicted to be tolerated by in silico analysis. Based on the available evidence, the clinical significance of this variant remains unclear.